The following is an entry in ClinVar:

NM_138694.4(PKHD1):c.11237T>C (p.Leu3746Pro)

Gene: PKHD1 (PKHD1 ciliary IPT domain containing fibrocystin/polyductin; minus strand). Cytogenetic location: 6p12.3.
Variant type: single nucleotide variant.
Coding change: c.11237T>C on transcript NM_138694.4 (MANE Select); coding-DNA position 11237, T replaced by C.
Protein change: p.Leu3746Pro; replaces leucine 3746 with proline.
Molecular consequence: missense variant.
Genome position (GRCh38, 1-based): chr6:51,649,158, A>G on the plus strand (T>C on the coding strand, the complement: PKHD1 is on the minus strand). VCF-style: chr6-51649158-A-G. GRCh37 (hg19) VCF-style: chr6-51513956-A-G.
Other names: p.Leu3746Pro; short protein forms L3746P.
Identifiers: ClinVar variation 978804 (VCV000978804.9), dbSNP rs1320401077, ClinGen allele CA364426251.

ClinVar aggregate classification (germline): Conflicting classifications of pathogenicity. Review status: criteria provided, conflicting classifications (1 of 4 stars). 4 submissions from 4 submitters: Likely pathogenic (1); Uncertain significance (3). Last evaluated 2026-05-23.

Conditions:
PKHD1-related disorder. Also called: PKHD1-related condition.
Autosomal recessive polycystic kidney disease (ARPKD). Also called: AR polycystic kidney disease. Identifiers: Orphanet 731, Orphanet 8378, MedGen C0085548, MeSH D017044, MONDO:0009889.

Submissions (4):

PreventionGenetics, part of Exact Sciences
Classification: Uncertain significance for PKHD1-related condition. Last evaluated: 2026-05-23. Review status: criteria provided, single submitter. Criteria: ACMG Guidelines, 2015. Collection method: clinical testing. Allele origin: germline.
Comment: The PKHD1 c.11237T>C variant is predicted to result in the amino acid substitution p.Leu3746Pro. This variant has been reported, along with another variant in PKHD1, in an individual with autosomal recessive polycystic kidney disease (P5, Wicher et al. 2020. PubMed ID: 33282801). This variant has not been reported in a large population database (gnomAD), indicating this variant is rare. At this time, the clinical significance of this variant is uncertain due to the absence of conclusive functional and genetic evidence.

Labcorp Genetics (formerly Invitae), Labcorp
Classification: Uncertain significance for Autosomal recessive polycystic kidney disease. Last evaluated: 2022-05-30. Review status: criteria provided, single submitter. Criteria: Invitae Variant Classification Sherloc (09022015). Collection method: clinical testing. Allele origin: germline.
Comment: This sequence change replaces leucine, which is neutral and non-polar, with proline, which is neutral and non-polar, at codon 3746 of the PKHD1 protein (p.Leu3746Pro). This variant is not present in population databases (gnomAD no frequency). This missense change has been observed in individual(s) with polycystic kidney disease (PMID: 33282801). ClinVar contains an entry for this variant (Variation ID: 978804). Algorithms developed to predict the effect of missense changes on protein structure and function are either unavailable or do not agree on the potential impact of this missense change (SIFT: "Tolerated"; PolyPhen-2: "Possibly Damaging"; Align-GVGD: "Class C0"). In summary, the available evidence is currently insufficient to determine the role of this variant in disease. Therefore, it has been classified as a Variant of Uncertain Significance.

Mayo Clinic Laboratories, Mayo Clinic
Classification: Uncertain significance. Last evaluated: 2021-10-11. Review status: criteria provided, single submitter. Criteria: ACMG Guidelines, 2015. Collection method: clinical testing. Allele origin: germline.

Laboratory of Molecular Genetics, Children's Memorial Health Institute
Classification: Likely pathogenic for Polycystic kidney disease 4. Last evaluated: 2020-05-12. Review status: criteria provided, single submitter. Criteria: ACMG Guidelines, 2015. Collection method: clinical testing. Allele origin: paternal. Inheritance: Autosomal recessive inheritance. Affected: yes. Observed: 1 compound heterozygote.

Literature cited by the submitters: PubMed 33282801 (cited by Labcorp Genetics (formerly Invitae), Labcorp).